The following is an entry in ClinVar:

ClinVar aggregate classification (germline): Conflicting classifications of pathogenicity. Review status: criteria provided, conflicting classifications (1 of 4 stars). 2 submissions from 2 submitters: Likely pathogenic (1); Uncertain significance (1). Last evaluated 2018-03-17.

Conditions:
Heterotopia, periventricular, X-linked dominant (PVNH1). Also called: PERIVENTRICULAR NODULAR HETEROTOPIA 4; HETEROTOPIA, PERIVENTRICULAR, 1; PERIVENTRICULAR NODULAR HETEROTOPIA 1; X-linked periventricular heterotopia. Identifiers: Orphanet 2149, Orphanet 82004, MedGen C1848213, MONDO:0010233, OMIM 300049.
Melnick-Needles syndrome (MNS). Also called: Melnick-Needles Syndrome (FLNA-MNS); MELNICK-NEEDLES OSTEODYSPLASTY; OSTEODYSPLASTY OF MELNICK AND NEEDLES. Identifiers: Orphanet 2484, MedGen C0025237, MONDO:0010650, OMIM 309350.
Frontometaphyseal dysplasia (FMD1). Identifiers: Orphanet 1826, MedGen C0265293, MONDO:0015942.
Oto-palato-digital syndrome, type II (OPD2). Also called: Otopalatodigital Syndrome Type 2 (FLNA-OPD2); Otopalatodigital Syndrome, Type II; FACIOPALATOOSSEOUS SYNDROME; OPD II SYNDROME. Identifiers: Orphanet 669, Orphanet 90652, MedGen C1844696, MONDO:0010571, OMIM 304120.
Familial thoracic aortic aneurysm and aortic dissection (TAAD). Also called: Thoracic aortic aneurysms and dissections. Identifiers: Orphanet 91387, MedGen C4707243, MONDO:0019625.

Submissions (2):

Labcorp Genetics (formerly Invitae), Labcorp
Classification: Uncertain significance for Oto-palato-digital syndrome, type II; Heterotopia, periventricular, X-linked dominant; Frontometaphyseal dysplasia; Melnick-Needles syndrome. Last evaluated: 2018-03-17. Review status: criteria provided, single submitter. Criteria: Invitae Variant Classification Sherloc (09022015). Collection method: clinical testing. Allele origin: germline.
Comment: In summary, the available evidence is currently insufficient to determine the role of this variant in disease. Therefore, it has been classified as a Variant of Uncertain Significance. Algorithms developed to predict the effect of missense changes on protein structure and function do not agree on the potential impact of this missense change (SIFT: "Deleterious"; PolyPhen-2: "Probably Damaging"; Align-GVGD: "Class C0"). This variant has not been reported in the literature in individuals with FLNA-related disease. This variant is not present in population databases (ExAC no frequency). This sequence change replaces lysine with arginine at codon 42 of the FLNA protein (p.Lys42Arg). The lysine residue is highly conserved and there is a small physicochemical difference between lysine and arginine.

Ambry Genetics
Classification: Likely pathogenic for Familial thoracic aortic aneurysm and aortic dissection. Last evaluated: 2017-12-15. Review status: criteria provided, single submitter. Criteria: Ambry Variant Classification Scheme 2023. Collection method: clinical testing. Allele origin: germline.
Comment: The p.K42R variant (also known as c.125A>G), located in coding exon 1 of the FLNA gene, results from an A to G substitution at nucleotide position 125. The lysine at codon 42 is replaced by arginine, an amino acid with highly similar properties. This amino acid position is highly conserved in available vertebrate species. In addition, this alteration is predicted to be deleterious by in silico analysis. Based on the majority of available evidence to date, this variant is likely to be pathogenic.

NM_001110556.2(FLNA):c.125A>G (p.Lys42Arg)

Gene: FLNA (filamin A; minus strand). Cytogenetic location: Xq28.
Variant type: single nucleotide variant.
Coding change: c.125A>G on transcript NM_001110556.2 (MANE Select); coding-DNA position 125, A replaced by G.
Protein change: p.Lys42Arg; replaces lysine 42 with arginine.
Molecular consequence: missense variant.
Genome position (GRCh38, 1-based): chrX:154,371,121, T>C on the plus strand (A>G on the coding strand, the complement: FLNA is on the minus strand). VCF-style: chrX-154371121-T-C. GRCh37 (hg19) VCF-style: chrX-153599489-T-C.
Other names: c.125A>G, p.Lys42Arg (NM_001456.4); short protein forms K42R.
Identifiers: ClinVar variation 573752 (VCV000573752.12), dbSNP rs1569551930, ClinGen allele CA415255455.
Genomic context (GRCh38, chrX:154,371,121, plus strand): 5'-TTGCTCACGCACTTCAGGTGCTCGTTGCACCAGCGCGTGAAAGTGTTCTGCTGGATCTTC[T>C]TCCACGGCGCGTCCTCCGCCAGGTCCTTCTCGGTGGCCGGCATCTCGGCGTCCCGCGTGT-3'
Protein context (NP_001104026.1, residues 32-52): EKDLAEDAPW[Lys42Arg]KIQQNTFTRW